The following is an entry in ClinVar:

ClinVar aggregate classification (germline): Likely benign. Review status: criteria provided, multiple submitters, no conflicts (2 of 4 stars). 5 submissions from 5 submitters: Likely benign (5). Last evaluated 2025-08-29.

Conditions:
Lethal congenital glycogen storage disease of heart. Also called: GLYCOGEN STORAGE DISEASE OF HEART; PHOSPHORYLASE KINASE DEFICIENCY OF HEART. Identifiers: Orphanet 439854, MedGen C1849813, MONDO:0009867, OMIM 261740.
Cardiovascular phenotype. Identifiers: MedGen CN230736.
Cardiomyopathy (CMYO). Also called: Cardiomyopathies. Identifiers: Orphanet 167848, MedGen C0878544, MONDO:0004994, HP:0001638. Inheritance: Various modes of inheritance.
Hypertrophic cardiomyopathy. Also called: HYPERTROPHIC MYOCARDIOPATHY. Identifiers: Orphanet 217569, MedGen C0007194, MeSH D002312, MONDO:0005045, HP:0001639.

Allele frequency attached by ClinVar (database versions not stated): ExAC 0.00001; gnomAD exomes 0.00002; gnomAD 0.00004 and 0.00005; TOPMed 0.00006; 1000 Genomes Project 0.00020; 1000 Genomes Project 30x 0.00031.
gnomAD v4.1: 45 of 1,613,764 alleles (0.0028%); highest among the groups gnomAD compares: African/African-American, 0.017%; no homozygotes.

Submissions (5):

Labcorp Genetics (formerly Invitae), Labcorp
Classification: Likely benign for Lethal congenital glycogen storage disease of heart. Last evaluated: 2025-08-29. Review status: criteria provided, single submitter. Criteria: Invitae Variant Classification Sherloc (09022015). Collection method: clinical testing. Allele origin: germline.

All of Us Research Program, National Institutes of Health
Classification: Likely benign for Hypertrophic cardiomyopathy. Last evaluated: 2023-12-13. Review status: criteria provided, single submitter. Criteria: ACMG Guidelines, 2015. Collection method: clinical testing. Allele origin: germline. Inheritance: Autosomal dominant inheritance. Observed: 3 variant alleles, 3 heterozygotes.
Comment: This study involves interpretation of variants in research participants for the purpose of population health screening. Participant phenotype was not available at the time of variant classification. Additional details can be found in publication PMID: 35346344, PMCID: PMC8962531

GeneDx
Classification: Likely benign. Last evaluated: 2021-04-09. Review status: criteria provided, single submitter. Criteria: GeneDx Variant Classification Process June 2021. Collection method: clinical testing. Allele origin: germline. Affected: yes.

Color Diagnostics, LLC DBA Color Health
Classification: Likely benign for Cardiomyopathy. Last evaluated: 2019-04-28. Review status: criteria provided, single submitter. Criteria: ACMG Guidelines, 2015. Collection method: clinical testing. Allele origin: germline.

Ambry Genetics
Classification: Likely benign for Cardiovascular phenotype. Last evaluated: 2016-12-15. Review status: criteria provided, single submitter. Criteria: Ambry Variant Classification Scheme 2023. Collection method: clinical testing. Allele origin: germline.

NM_016203.4(PRKAG2):c.489G>A (p.Pro163=)

Gene: PRKAG2 (protein kinase AMP-activated non-catalytic subunit gamma 2; minus strand). Cytogenetic location: 7q36.1.
Variant type: single nucleotide variant.
Coding change: c.489G>A on transcript NM_016203.4 (MANE Select); coding-DNA position 489, G replaced by A.
Protein change: p.Pro163=; no amino-acid change (proline 163 retained).
Molecular consequence: synonymous variant.
Genome position (GRCh38, 1-based): chr7:151,675,615, C>T on the plus strand (G>A on the coding strand, the complement: PRKAG2 is on the minus strand). VCF-style: chr7-151675615-C-T. GRCh37 (hg19) VCF-style: chr7-151372701-C-T.
Other names: c.357G>A, p.Pro119= (NM_001040633.2); c.117G>A, p.Pro39= (NM_001304527.2, NM_001363698.2).
Identifiers: ClinVar variation 508858 (VCV000508858.19), dbSNP rs556852534, ClinGen allele CA057384.
Genomic context (GRCh38, chr7:151,675,615, plus strand): 5'-CTCGTGCTTATAGGATTCCAGGGGAAACGTGTGCTGCTTGGTCACTTGGGTGGGTGTTGA[C>T]GGAGAGGAGGAGAGGCCGGAGGCTGCAGAAGAAACACCAAGGACGGTCAGAGGTCCGGCT-3'
Protein context (NP_057287.2, residues 153-173): SRKTSGLSSS[Pro163=]STPTQVTKQH